The following is an entry in ClinVar:

NM_058216.3(RAD51C):c.18C>T (p.Phe6=)

Gene: RAD51C (RAD51 paralog C; plus strand). Cytogenetic location: 17q22.
Variant type: single nucleotide variant.
Coding change: c.18C>T on transcript NM_058216.3 (MANE Select); coding-DNA position 18, C replaced by T.
Protein change: p.Phe6=; no amino-acid change (phenylalanine 6 retained).
Molecular consequence: synonymous variant. On other transcripts: non-coding transcript variant (2).
Genome position (GRCh38, 1-based): chr17:58,692,661, C>T. VCF-style: chr17-58692661-C-T. GRCh37 (hg19) VCF-style: chr17-56770022-C-T.
Other names: c.18C>T, p.Phe6= (NM_002876.4).
Identifiers: ClinVar variation 820301 (VCV000820301.8), dbSNP rs774685897, ClinGen allele CA8677123.

ClinVar aggregate classification (germline): Benign/Likely benign. Review status: criteria provided, multiple submitters, no conflicts (2 of 4 stars). 3 submissions from 3 submitters: Benign (1); Likely benign (2). Last evaluated 2025-02-14.

Conditions:
Hereditary cancer-predisposing syndrome. Also called: Hereditary Cancer Syndrome; Neoplastic Syndromes, Hereditary; Hereditary neoplastic syndrome; Tumor predisposition. Identifiers: Orphanet 140162, MedGen C0027672, MeSH D009386, MONDO:0015356.
Fanconi anemia complementation group O. Also called: RAD51C-Related Fanconi Anemia. Identifiers: Orphanet 84, MedGen C3150653, MONDO:0013248, OMIM 613390.
Breast-ovarian cancer, familial, susceptibility to, 3. Also called: RAD51C-Related Breast/Ovarian Cancer. Identifiers: Orphanet 145, MedGen C3150659, MONDO:0013253, OMIM 613399.

Allele frequency attached by ClinVar (database versions not stated): gnomAD exomes below 0.00001; ExAC 0.00001.
gnomAD v4.1: 2 of 1,614,196 alleles (0.00012%); highest among the groups gnomAD compares: African/African-American, 0.0013%; no homozygotes.

Submissions (3):

Myriad Genetics, Inc.
Classification: Benign for Breast-ovarian cancer, familial, susceptibility to, 3. Last evaluated: 2025-02-14. Review status: criteria provided, single submitter. Criteria: Myriad Autosomal Dominant, Autosomal Recessive and X-Linked Classification Criteria (2023). Collection method: clinical testing. Allele origin: unknown.
Comment: This variant is considered benign. This variant is a silent/synonymous amino acid change and it is not expected to impact splicing.

Labcorp Genetics (formerly Invitae), Labcorp
Classification: Likely benign for Fanconi anemia complementation group O. Last evaluated: 2024-02-27. Review status: criteria provided, single submitter. Criteria: Invitae Variant Classification Sherloc (09022015). Collection method: clinical testing. Allele origin: germline.

Ambry Genetics
Classification: Likely benign for Hereditary cancer-predisposing syndrome. Last evaluated: 2018-01-19. Review status: criteria provided, single submitter. Criteria: Ambry Variant Classification Scheme 2023. Collection method: clinical testing. Allele origin: germline.